The following is an entry in ClinVar:

NM_000197.2(HSD17B3):c.590T>A (p.Met197Lys)

Genes: HSD17B3 (hydroxysteroid 17-beta dehydrogenase 3; minus strand), SLC35D2-HSD17B3 (SLC35D2-HSD17B3 readthrough; minus strand). Cytogenetic location: 9q22.32.
Variant type: single nucleotide variant.
Coding change: c.590T>A on transcript NM_000197.2 (MANE Select); coding-DNA position 590, T replaced by A.
Protein change: p.Met197Lys; replaces methionine 197 with lysine.
Molecular consequence: missense variant. On other transcripts: non-coding transcript variant (1).
Genome position (GRCh38, 1-based): chr9:96,245,361, A>T on the plus strand (T>A on the coding strand, the complement: HSD17B3 is on the minus strand). VCF-style: chr9-96245361-A-T. GRCh37 (hg19) VCF-style: chr9-99007643-A-T.
Other names: short protein forms M197K.
Identifiers: ClinVar variation 2674667 (VCV002674667.1), dbSNP rs1440711824, ClinGen allele CA374123888.

ClinVar aggregate classification (germline): Likely pathogenic (1 of 4 stars; one submission).

Conditions:
Testosterone 17-beta-dehydrogenase deficiency. Also called: 17-beta hydroxysteroid dehydrogenase 3 deficiency; 46,XY disorder of sex development due to 17-beta-hydroxysteroid dehydrogenase 3 deficiency; Pseudohermaphroditism male with gynecomastia; 17 alpha ketosteroid reductase deficiency of testis; 17 alpha KSR deficiency; Neutral 17 beta hydroxysteroid oxidoreductase deficiency. Identifiers: Orphanet 752, MedGen C0268296, MONDO:0009916, OMIM 264300. Disease mechanism: loss of function.

Submission:

Clinical Biochemistry Laboratory, Health Services Laboratory
Classification: Likely pathogenic for Testosterone 17-beta-dehydrogenase deficiency. Last evaluated: 2023-11-20. Review status: criteria provided, single submitter. Criteria: ACMG Guidelines, 2015. Collection method: clinical testing. Allele origin: germline. Affected: yes.
Comment: ACMG:PM1 PM2 PP2 PP4 BP4

Literature cited by the submitters: PubMed 25740850.